The following is an entry in ClinVar:

NM_001384140.1(PCDH15):c.2673T>G (p.Ser891Arg)

Gene: PCDH15 (protocadherin related 15; minus strand). Cytogenetic location: 10q21.1.
Variant type: single nucleotide variant.
Coding change: c.2673T>G on transcript NM_001384140.1 (MANE Select); coding-DNA position 2673, T replaced by G.
Protein change: p.Ser891Arg; replaces serine 891 with arginine.
Molecular consequence: missense variant.
Genome position (GRCh38, 1-based): chr10:54,020,270, A>C on the plus strand (T>G on the coding strand, the complement: PCDH15 is on the minus strand). VCF-style: chr10-54020270-A-C. GRCh37 (hg19) VCF-style: chr10-55780030-A-C.
Other names: c.2673T>G (NM_033056.3); c.2688T>G, p.Ser896Arg (NM_001142763.2, NM_001142771.2); c.2673T>G, p.Ser891Arg (NM_001142764.2, NM_001142766.2, NM_001142770.3 and 5 more transcripts); c.2460T>G, p.Ser820Arg (NM_001142765.2); c.2562T>G, p.Ser854Arg (NM_001142767.2); c.2607T>G, p.Ser869Arg (NM_001142768.2, NM_001142773.2, NM_001354404.2); c.2709T>G, p.Ser903Arg (NM_001142769.4); c.2694T>G, p.Ser898Arg (NM_001354411.2); short protein forms S854R, S896R, S820R, S869R, S891R, S898R, S903R.
Identifiers: ClinVar variation 1046130 (VCV001046130.8), dbSNP rs1052481975, ClinGen allele CA207198517.

ClinVar aggregate classification (germline): Uncertain significance. Review status: criteria provided, multiple submitters, no conflicts (2 of 4 stars). 3 submissions from 3 submitters: Uncertain significance (2). 1 of the submissions does not count toward it. Last evaluated 2025-11-12.

Conditions:
Usher syndrome type 1F (USH1F). Also called: USHER SYNDROME, TYPE IF. Identifiers: Orphanet 231169, Orphanet 886, MedGen C1865885, MONDO:0011186, OMIM 602083.
Inborn genetic diseases. Identifiers: MedGen C0950123, MeSH D030342.

Allele frequency attached by ClinVar (database versions not stated): gnomAD exomes below 0.00001; TOPMed 0.00002; gnomAD 0.00004; 1000 Genomes Project 30x 0.00016.
gnomAD v4.1: 10 of 1,613,802 alleles (0.00062%); highest among the groups gnomAD compares: African/African-American, 0.013%; no homozygotes.

Submissions (3):

Ambry Genetics
Classification: Uncertain significance for Inborn genetic diseases. Last evaluated: 2025-11-12. Review status: criteria provided, single submitter. Criteria: Ambry Variant Classification Scheme 2023. Collection method: clinical testing. Allele origin: germline.

Labcorp Genetics (formerly Invitae), Labcorp
Classification: Uncertain significance. Last evaluated: 2022-02-24. Review status: criteria provided, single submitter. Criteria: Invitae Variant Classification Sherloc (09022015). Collection method: clinical testing. Allele origin: germline.
Comment: This sequence change replaces serine, which is neutral and polar, with arginine, which is basic and polar, at codon 891 of the PCDH15 protein (p.Ser891Arg). This variant is present in population databases (no rsID available, gnomAD 0.02%). This variant has not been reported in the literature in individuals affected with PCDH15-related conditions. ClinVar contains an entry for this variant (Variation ID: 1046130). Algorithms developed to predict the effect of missense changes on protein structure and function are either unavailable or do not agree on the potential impact of this missense change (SIFT: "Tolerated"; PolyPhen-2: "Possibly Damaging"; Align-GVGD: "Class C0"). In summary, the available evidence is currently insufficient to determine the role of this variant in disease. Therefore, it has been classified as a Variant of Uncertain Significance.

Natera, Inc.
Classification: Uncertain significance for Usher syndrome type 1F. Last evaluated: 2021-06-28. Review status: no assertion criteria provided. Collection method: clinical testing. Allele origin: germline. Not counted in ClinVar's aggregate classification.